The following is an entry in ClinVar:

ClinVar aggregate classification (germline): Pathogenic. Review status: criteria provided, multiple submitters, no conflicts (2 of 4 stars). 7 submissions from 7 submitters: Pathogenic (6). 1 of the submissions does not count toward it. Last evaluated 2025-09-15.

Conditions:
GNE myopathy (NM). Also called: INCLUSION BODY MYOPATHY, HEREDITARY, AUTOSOMAL RECESSIVE; INCLUSION BODY MYOPATHY 2, AUTOSOMAL RECESSIVE; NONAKA DISTAL MYOPATHY; MYOPATHY, DISTAL, WITH OR WITHOUT RIMMED VACUOLES; IBM 2; Inclusion body myopathy autosomal recessive. Identifiers: Orphanet 602, MedGen C1853926, MONDO:0011603, OMIM 605820.
GNE-related disorders.
Sialuria. Also called: SIALURIA, FRENCH TYPE; Sialic Acid Storage Disease. Identifiers: Orphanet 3166, MedGen C0342853, MONDO:0010028, OMIM 269921.

Allele frequency attached by ClinVar (database versions not stated): gnomAD exomes below 0.00001; TOPMed below 0.00001; ExAC 0.00001; ESP Exome Variant Server 0.00008.
gnomAD v4.1: 3 of 1,614,078 alleles (0.00019%); highest among the groups gnomAD compares: Non-Finnish European, 0.00025%; no homozygotes.

Submissions (7):

Natera, Inc.
Classification: Pathogenic for Nonaka myopathy. Last evaluated: 2025-09-15. Review status: criteria provided, single submitter. Criteria: Natera Variant Classification Schema (03/2026). Collection method: clinical testing. Allele origin: germline.
Comment: The c.478C>T variant in GNE is a nonsense variant predicted to introduce a stop codon at amino acid 160. This variant is expected to result in nonsense mediated decay, truncation, or a dysfunctional protein product. This variant is rare in the general population with a frequency below the threshold expected for the associated phenotype(s). This variant has been observed in one or more individuals affected with the associated recessive disease, as either homozygous or compound heterozygous with a second variant (PMID: 33250842). Given the available evidence, this variant is classified as Pathogenic.

Baylor Genetics
Classification: Pathogenic for GNE myopathy. Last evaluated: 2023-12-02. Review status: criteria provided, single submitter. Criteria: ACMG Guidelines, 2015. Collection method: clinical testing. Allele origin: unknown.

Labcorp Genetics (formerly Invitae), Labcorp
Classification: Pathogenic for Sialuria; GNE myopathy. Last evaluated: 2023-11-14. Review status: criteria provided, single submitter. Criteria: Invitae Variant Classification Sherloc (09022015). Collection method: clinical testing. Allele origin: germline.
Comment: This sequence change creates a premature translational stop signal (p.Arg160*) in the GNE gene. It is expected to result in an absent or disrupted protein product. Loss-of-function variants in GNE are known to be pathogenic (PMID: 24027297). This variant is present in population databases (rs372872777, gnomAD 0.0009%). This premature translational stop signal has been observed in individual(s) with GNE myopathy (PMID: 5182749, 24796702). ClinVar contains an entry for this variant (Variation ID: 370849). For these reasons, this variant has been classified as Pathogenic.

Blueprint Genetics
Classification: Pathogenic for GNE-related disorders. Last evaluated: 2023-11-09. Review status: criteria provided, single submitter. Criteria: ACMG Guidelines, 2015. Collection method: clinical testing. Allele origin: germline. Affected: yes. Observed: 1 variant allele.

Revvity Omics, Revvity
Classification: Pathogenic. Last evaluated: 2023-10-27. Review status: criteria provided, single submitter. Criteria: ACMG Guidelines, 2015. Collection method: clinical testing. Allele origin: germline.

Women's Health and Genetics/Laboratory Corporation of America, LabCorp
Classification: Pathogenic for GNE myopathy. Last evaluated: 2023-02-01. Review status: criteria provided, single submitter. Criteria: LabCorp Variant Classification Summary - May 2015. Collection method: clinical testing. Allele origin: germline.
Comment: Variant summary: GNE c.478C>T (p.Arg160X) results in a premature termination codon, predicted to cause a truncation of the encoded protein or absence of the protein due to nonsense mediated decay, which are commonly known mechanisms for disease. Truncations downstream of this position have been classified as pathogenic in ClinVar database. The variant was absent in 251360 control chromosomes. c.478C>T has been reported in the literature in individuals affected with GNE myopathy. To our knowledge, no experimental evidence demonstrating an impact on protein function has been reported. Four clinical diagnostic laboratories have submitted clinical-significance assessments for this variant to ClinVar after 2014 without evidence for independent evaluation. All laboratories classified the variant as pathogenic/likely pathogenic. Based on the evidence outlined above, the variant was classified as pathogenic.

Counsyl
Classification: Likely pathogenic for GNE myopathy. Last evaluated: 2016-04-28. Review status: no assertion criteria provided. Collection method: clinical testing. Allele origin: unknown. Not counted in ClinVar's aggregate classification.

Literature cited by the submitters: PubMed 33250842 (cited by Natera, Inc.); PubMed 24027297 (cited by Labcorp Genetics (formerly Invitae), Labcorp); PubMed 5182749 (cited by Labcorp Genetics (formerly Invitae), Labcorp); PubMed 24796702 (cited by Labcorp Genetics (formerly Invitae), Labcorp and Counsyl); PubMed 29305133 (cited by Women's Health and Genetics/Laboratory Corporation of America, LabCorp); PubMed 25182749 (cited by Counsyl).

NM_005476.7(GNE):c.385C>T (p.Arg129Ter)

Gene: GNE (glucosamine (UDP-N-acetyl)-2-epimerase/N-acetylmannosamine kinase; minus strand). Cytogenetic location: 9p13.3.
Variant type: single nucleotide variant.
Coding change: c.385C>T on transcript NM_005476.7 (MANE Select); coding-DNA position 385, C replaced by T.
Protein change: p.Arg129Ter; replaces arginine 129 with a stop codon.
Molecular consequence: nonsense.
Genome position (GRCh38, 1-based): chr9:36,246,262, G>A on the plus strand (C>T on the coding strand, the complement: GNE is on the minus strand). VCF-style: chr9-36246262-G-A. GRCh37 (hg19) VCF-style: chr9-36246259-G-A.
Other names: c.478C>T, p.Arg160Ter (NM_001128227.3); c.385C>T, p.Arg129Ter (NM_001190383.3, NM_001374797.1); c.208C>T, p.Arg70Ter (NM_001190384.3, NM_001190388.2, NM_001374798.1); short protein forms R160*, R129*, R70*.
Identifiers: ClinVar variation 370849 (VCV000370849.25), dbSNP rs372872777, ClinGen allele CA5056732.